The following is an entry in ClinVar:

ClinVar aggregate classification (germline): Uncertain significance (1 of 4 stars; one submission).

Conditions:
Polycystic kidney disease 5. Identifiers: MedGen C4539903, MONDO:0033281, OMIM 617610.

gnomAD v4.1: 41 of 1,554,848 alleles (0.0026%); highest among the groups gnomAD compares: East Asian, 0.092%; no homozygotes.

Submission:

Juno Genomics, Hangzhou Juno Genomics, Inc
Classification: Uncertain significance for Polycystic kidney disease 5. Review status: criteria provided, single submitter. Criteria: ACMG Guidelines, 2015. Collection method: clinical testing. Allele origin: germline.
Comment: Absent from controls (or at extremely low frequency if recessive) in Genome Aggregation Database.

NM_173543.3(DZIP1L):c.-56T>A

Gene: DZIP1L (DAZ interacting zinc finger protein 1 like; minus strand). Cytogenetic location: 3q22.3.
Variant type: single nucleotide variant.
Coding change: c.-56T>A on transcript NM_173543.3 (MANE Select); 56 bases upstream of the start codon, T replaced by A.
Molecular consequence: 5 prime UTR variant.
Genome position (GRCh38, 1-based): chr3:138,104,027, A>T on the plus strand (T>A on the coding strand, the complement: DZIP1L is on the minus strand). VCF-style: chr3-138104027-A-T. GRCh37 (hg19) VCF-style: chr3-137822869-A-T.
Other names: c.-56T>A (NM_001170538.1).
Identifiers: ClinVar variation 5006555 (VCV005006555.2).